The following is an entry in ClinVar:

NM_004329.3(BMPR1A):c.1160T>C (p.Phe387Ser)

Gene: BMPR1A (bone morphogenetic protein receptor type 1A; plus strand). Cytogenetic location: 10q23.2.
Variant type: single nucleotide variant.
Coding change: c.1160T>C on transcript NM_004329.3 (MANE Select); coding-DNA position 1160, T replaced by C.
Protein change: p.Phe387Ser; replaces phenylalanine 387 with serine.
Molecular consequence: missense variant.
Genome position (GRCh38, 1-based): chr10:86,919,463, T>C. VCF-style: chr10-86919463-T-C. GRCh37 (hg19) VCF-style: chr10-88679220-T-C.
Other names: short protein forms F387S.
Identifiers: ClinVar variation 1171053 (VCV001171053.3), dbSNP rs2133594286, ClinGen allele CA377461327.
Genomic context (GRCh38, chr10:86,919,463, plus strand): 5'-ACATCCTCATCAAGAAAAATGGGAGTTGCTGCATTGCTGACCTGGGCCTTGCTGTTAAAT[T>C]CAACAGGTGAGTGGTTCTTTGCCCCACTGTTTTGAAATTATTTTAATTTCCAAAAGATAT-3'
Protein context (NP_004320.2, residues 377-397): CIADLGLAVK[Phe387Ser]NSDTNEVDVP

ClinVar aggregate classification (germline): Uncertain significance (1 of 4 stars; one submission).

Conditions:
Hereditary cancer-predisposing syndrome. Also called: Tumor predisposition; Hereditary neoplastic syndrome; Hereditary Cancer Syndrome; Neoplastic Syndromes, Hereditary. Identifiers: Orphanet 140162, MedGen C0027672, MeSH D009386, MONDO:0015356.

Submission:

Color Diagnostics, LLC DBA Color Health
Classification: Uncertain significance for Hereditary cancer-predisposing syndrome. Last evaluated: 2024-03-07. Review status: criteria provided, single submitter. Criteria: ACMG Guidelines, 2015. Collection method: clinical testing. Allele origin: germline.
Comment: This missense variant replaces phenylalanine with serine at codon 387 of the BMPR1A protein. Computational prediction suggests that this variant may have deleterious impact on protein structure and function (internally defined REVEL score threshold >= 0.7, PMID: 27666373). To our knowledge, functional studies have not been reported for this variant. This variant has not been reported in individuals affected with hereditary cancer in the literature. This variant has not been identified in the general population by the Genome Aggregation Database (gnomAD). The available evidence is insufficient to determine the role of this variant in disease conclusively. Therefore, this variant is classified as a Variant of Uncertain Significance.